The following is an entry in ClinVar:

NM_003119.4(SPG7):c.1223A>G (p.Asp408Gly)

Gene: SPG7 (SPG7 matrix AAA peptidase subunit, paraplegin; plus strand). Cytogenetic location: 16q24.3.
Variant type: single nucleotide variant.
Coding change: c.1223A>G on transcript NM_003119.4 (MANE Select); coding-DNA position 1223, A replaced by G.
Protein change: p.Asp408Gly; replaces aspartic acid 408 with glycine.
Molecular consequence: missense variant.
Genome position (GRCh38, 1-based): chr16:89,532,535, A>G. VCF-style: chr16-89532535-A-G. GRCh37 (hg19) VCF-style: chr16-89598943-A-G.
Other names: c.1223A>G, p.Asp408Gly (NM_001363850.1, NM_199367.3); short protein forms D408G.
Identifiers: ClinVar variation 3700885 (VCV003700885.2).

ClinVar aggregate classification (germline): Uncertain significance (1 of 4 stars; one submission).

Conditions:
Hereditary spastic paraplegia 7 (SPG7). Also called: SPASTIC PARAPLEGIA 7, AUTOSOMAL RECESSIVE, WITH OR WITHOUT CEREBELLAR ATAXIA; SPG7-related neurologic disorder; Spastic paraplegia 7; Hereditary spastic paraplegia Paraplegin type; Autosomal recessive spastic paraplegia type 7. Identifiers: Orphanet 99013, MedGen C1846564, MONDO:0011803, OMIM 607259.

gnomAD v4.1: 7 of 1,613,718 alleles (0.00043%); highest among the groups gnomAD compares: Non-Finnish European, 0.00059%; no homozygotes.

Submission:

Labcorp Genetics (formerly Invitae), Labcorp
Classification: Uncertain significance for Hereditary spastic paraplegia 7. Last evaluated: 2024-10-08. Review status: criteria provided, single submitter. Criteria: Invitae Variant Classification Sherloc (09022015). Collection method: clinical testing. Allele origin: germline.
Comment: This sequence change replaces aspartic acid, which is acidic and polar, with glycine, which is neutral and non-polar, at codon 408 of the SPG7 protein (p.Asp408Gly). This variant is present in population databases (rs781433358, gnomAD 0.002%). This variant has not been reported in the literature in individuals affected with SPG7-related conditions. Invitae Evidence Modeling of protein sequence and biophysical properties (such as structural, functional, and spatial information, amino acid conservation, physicochemical variation, residue mobility, and thermodynamic stability) indicates that this missense variant is expected to disrupt SPG7 protein function with a positive predictive value of 80%. In summary, the available evidence is currently insufficient to determine the role of this variant in disease. Therefore, it has been classified as a Variant of Uncertain Significance.